The following is an entry in ClinVar:

ClinVar aggregate classification (germline): Uncertain significance (0 of 4 stars; one submission).

Conditions:
DNMT3A-related disorder. Also called: DNMT3A-related condition; DNMT3A-related disorders.

gnomAD v4.1: 2 of 1,161,306 alleles (0.00017%); highest among the groups gnomAD compares: African/African-American, 0.0016%; no homozygotes.

Submission:

PreventionGenetics, part of Exact Sciences
Classification: Uncertain significance for DNMT3A-related condition. Last evaluated: 2024-05-17. Review status: no assertion criteria provided. Collection method: clinical testing. Allele origin: germline.
Comment: The DNMT3A c.40G>A variant is predicted to result in the amino acid substitution p.Gly14Ser. To our knowledge, this variant has not been reported in the literature or in gnomAD, indicating this variant is rare. At this time, the clinical significance of this variant is uncertain due to the absence of conclusive functional and genetic evidence.

NM_022552.5(DNMT3A):c.640-3803G>A

Gene: DNMT3A (DNA methyltransferase 3 alpha; minus strand). Cytogenetic location: 2p23.3.
Variant type: single nucleotide variant.
Coding change: c.640-3803G>A on transcript NM_022552.5 (MANE Select); 3803 bases into the intron before coding-DNA position 640, G replaced by A.
Molecular consequence: intron variant. On other transcripts: missense variant (1).
Genome position (GRCh38, 1-based): chr2:25,252,055, C>T on the plus strand (G>A on the coding strand, the complement: DNMT3A is on the minus strand). VCF-style: chr2-25252055-C-T. GRCh37 (hg19) VCF-style: chr2-25474924-C-T.
Other names: c.40G>A, p.Gly14Ser (NM_001320893.1); c.640-3803G>A (NM_175629.2); c.4+139G>A (NM_153759.3); c.-31+139G>A (NM_001375819.1); short protein forms G14S.
Identifiers: ClinVar variation 3344863 (VCV003344863.1).